The following is an entry in ClinVar:

NM_001458.5(FLNC):c.6730G>A (p.Glu2244Lys)

Genes: FLNC-AS1 (FLNC antisense RNA 1; minus strand), FLNC (filamin C; plus strand). Cytogenetic location: 7q32.1.
Variant type: single nucleotide variant.
Coding change: c.6730G>A on transcript NM_001458.5 (MANE Select); coding-DNA position 6730, G replaced by A.
Protein change: p.Glu2244Lys; replaces glutamic acid 2244 with lysine.
Molecular consequence: missense variant.
Genome position (GRCh38, 1-based): chr7:128,854,415, G>A. VCF-style: chr7-128854415-G-A. GRCh37 (hg19) VCF-style: chr7-128494469-G-A.
Other names: c.6631G>A, p.Glu2211Lys (NM_001127487.2); short protein forms E2244K, E2211K.
Identifiers: ClinVar variation 1432784 (VCV001432784.8), dbSNP rs1340208212, ClinGen allele CA369213439.

ClinVar aggregate classification (germline): Uncertain significance (1 of 4 stars; one submission).

Conditions:
Myofibrillar myopathy 5. Also called: FILAMINOPATHY, AUTOSOMAL DOMINANT; Filaminopathy (type). Identifiers: Orphanet 171445, MedGen C1836050, MONDO:0012289, OMIM 609524.
Hypertrophic cardiomyopathy 26. Also called: Cardiomyopathy, familial hypertrophic, 26. Identifiers: Orphanet 75249, MedGen C4310749, MONDO:0014883, OMIM 617047.
Distal myopathy with posterior leg and anterior hand involvement. Also called: WILLIAMS DISTAL MYOPATHY. Identifiers: Orphanet 63273, MedGen C3279722, MONDO:0013550, OMIM 614065.

Allele frequency attached by ClinVar (database versions not stated): gnomAD exomes below 0.00001.
gnomAD v4.1: 1 of 1,609,960 alleles (0.000062%); highest among the groups gnomAD compares: Non-Finnish European, 0.000085%; no homozygotes.

Submission:

Labcorp Genetics (formerly Invitae), Labcorp
Classification: Uncertain significance for Distal myopathy with posterior leg and anterior hand involvement; Myofibrillar myopathy 5; Hypertrophic cardiomyopathy 26. Last evaluated: 2021-04-04. Review status: criteria provided, single submitter. Criteria: Invitae Variant Classification Sherloc (09022015). Collection method: clinical testing. Allele origin: germline.
Comment: In summary, the available evidence is currently insufficient to determine the role of this variant in disease. Therefore, it has been classified as a Variant of Uncertain Significance. Algorithms developed to predict the effect of missense changes on protein structure and function are either unavailable or do not agree on the potential impact of this missense change (SIFT: "Tolerated"; PolyPhen-2: "Possibly Damaging"; Align-GVGD: "Class C0"). This variant has not been reported in the literature in individuals with FLNC-related conditions. This variant is not present in population databases (ExAC no frequency). This sequence change replaces glutamic acid with lysine at codon 2244 of the FLNC protein (p.Glu2244Lys). The glutamic acid residue is highly conserved and there is a small physicochemical difference between glutamic acid and lysine.